The following is an entry in ClinVar:

NM_145262.4(GLYCTK):c.823G>A (p.Gly275Ser)

Gene: GLYCTK (glycerate kinase; plus strand). Cytogenetic location: 3p21.2.
Variant type: single nucleotide variant.
Coding change: c.823G>A on transcript NM_145262.4 (MANE Select); coding-DNA position 823, G replaced by A.
Protein change: p.Gly275Ser; replaces glycine 275 with serine.
Molecular consequence: missense variant. On other transcripts: non-coding transcript variant (3).
Genome position (GRCh38, 1-based): chr3:52,292,377, G>A. VCF-style: chr3-52292377-G-A. GRCh37 (hg19) VCF-style: chr3-52326393-G-A.
Other names: c.647G>A, p.Arg216Gln (NM_001144951.2); short protein forms G275S, R216Q.
Identifiers: ClinVar variation 1401070 (VCV001401070.9), dbSNP rs769241961, ClinGen allele CA2432190.

ClinVar aggregate classification (germline): Uncertain significance (1 of 4 stars; one submission).

Allele frequency attached by ClinVar (database versions not stated): gnomAD 0.00001; ExAC 0.00002; gnomAD exomes 0.00002 and 0.00003; TOPMed 0.00002.

Submission:

Labcorp Genetics (formerly Invitae), Labcorp
Classification: Uncertain significance. Last evaluated: 2022-08-23. Review status: criteria provided, single submitter. Criteria: Invitae Variant Classification Sherloc (09022015). Collection method: clinical testing. Allele origin: germline.
Comment: In summary, the available evidence is currently insufficient to determine the role of this variant in disease. Therefore, it has been classified as a Variant of Uncertain Significance. Algorithms developed to predict the effect of sequence changes on RNA splicing suggest that this variant may create or strengthen a splice site. Algorithms developed to predict the effect of missense changes on protein structure and function (SIFT, PolyPhen-2, Align-GVGD) all suggest that this variant is likely to be tolerated. This sequence change replaces glycine, which is neutral and non-polar, with serine, which is neutral and polar, at codon 275 of the GLYCTK protein (p.Gly275Ser). This variant is present in population databases (rs769241961, gnomAD 0.01%). This variant has not been reported in the literature in individuals affected with GLYCTK-related conditions. ClinVar contains an entry for this variant (Variation ID: 1401070).